The following is an entry in ClinVar:

NM_014314.4(RIGI):c.149C>A (p.Pro50Gln)

Gene: RIGI (RNA sensor RIG-I; minus strand). Cytogenetic location: 9p21.1.
Variant type: single nucleotide variant.
Coding change: c.149C>A on transcript NM_014314.4 (MANE Select); coding-DNA position 149, C replaced by A.
Protein change: p.Pro50Gln; replaces proline 50 with glutamine.
Molecular consequence: missense variant. On other transcripts: 5 prime UTR variant (3).
Genome position (GRCh38, 1-based): chr9:32,500,897, G>T on the plus strand (C>A on the coding strand, the complement: RIGI is on the minus strand). VCF-style: chr9-32500897-G-T. GRCh37 (hg19) VCF-style: chr9-32500895-G-T.
Other names: c.149C>A, p.Pro50Gln (NM_001385907.1, NM_001385909.1, NM_001385913.1); c.-306C>A (NM_001385910.1, NM_001385914.1); c.-313C>A (NM_001385912.1); c.149C>A (NM_014314.3); short protein forms P50Q.
Identifiers: ClinVar variation 1490091 (VCV001490091.10), dbSNP rs533959324, ClinGen allele CA5020159.

ClinVar aggregate classification (germline): Conflicting classifications of pathogenicity. Review status: criteria provided, conflicting classifications (1 of 4 stars). 3 submissions from 3 submitters: Uncertain significance (2); Likely benign (1). Last evaluated 2025-04-15.

Conditions:
Inborn genetic diseases. Identifiers: MedGen C0950123, MeSH D030342.

Allele frequency attached by ClinVar (database versions not stated): gnomAD exomes 0.00007; ExAC 0.00011; 1000 Genomes Project 30x 0.00016; 1000 Genomes Project 0.00020.
gnomAD v4.1: 46 of 1,614,086 alleles (0.0028%); highest among the groups gnomAD compares: South Asian, 0.046%; no homozygotes.

Submissions (3):

Ambry Genetics
Classification: Uncertain significance for Inborn genetic diseases. Last evaluated: 2025-04-15. Review status: criteria provided, single submitter. Criteria: Ambry Variant Classification Scheme 2023. Collection method: clinical testing. Allele origin: germline.

Labcorp Genetics (formerly Invitae), Labcorp
Classification: Uncertain significance. Last evaluated: 2023-05-15. Review status: criteria provided, single submitter. Criteria: Invitae Variant Classification Sherloc (09022015). Collection method: clinical testing. Allele origin: germline.
Comment: This variant has not been reported in the literature in individuals affected with DDX58-related conditions. This variant is present in population databases (rs533959324, gnomAD 0.06%), and has an allele count higher than expected for a pathogenic variant. This sequence change replaces proline, which is neutral and non-polar, with glutamine, which is neutral and polar, at codon 50 of the DDX58 protein (p.Pro50Gln). In summary, the available evidence is currently insufficient to determine the role of this variant in disease. Therefore, it has been classified as a Variant of Uncertain Significance. An algorithm developed to predict the effect of missense changes on protein structure and function (PolyPhen-2) suggests that this variant is likely to be tolerated. ClinVar contains an entry for this variant (Variation ID: 1490091).

Blueprint Genetics
Classification: Likely benign. Last evaluated: 2019-03-21. Review status: criteria provided, single submitter. Criteria: ACMG Guidelines, 2015. Collection method: clinical testing. Allele origin: germline.